The following is an entry in ClinVar:

NM_001958.5(EEF1A2):c.207C>A (p.Arg69=)

Gene: EEF1A2 (eukaryotic translation elongation factor 1 alpha 2; minus strand). Cytogenetic location: 20q13.33.
Variant type: single nucleotide variant.
Coding change: c.207C>A on transcript NM_001958.5 (MANE Select); coding-DNA position 207, C replaced by A.
Protein change: p.Arg69=; no amino-acid change (arginine 69 retained).
Molecular consequence: synonymous variant.
Genome position (GRCh38, 1-based): chr20:63,495,973, G>T on the plus strand (C>A on the coding strand, the complement: EEF1A2 is on the minus strand). VCF-style: chr20-63495973-G-T. GRCh37 (hg19) VCF-style: chr20-62127326-G-T.
Identifiers: ClinVar variation 3046868 (VCV003046868.3), dbSNP rs3818681, ClinGen allele CA511206910.
Genomic context (GRCh38, chr20:63,495,973, plus strand): 5'-GATGGTGATGTAGTACTTGGTGGTCTCGAACTTCCAGAGGGAGATGTCGATGGTGATGCC[G>T]CGCTCACGCTCCGCCTTCAGCTTGTCCAGCACCCAGGCATACTTGAAGGATCCCTTCCCC-3'
Protein context (NP_001949.1, residues 59-79): VLDKLKAERE[Arg69=]GITIDISLWK

ClinVar aggregate classification (germline): Likely benign. Review status: criteria provided, single submitter (1 of 4 stars). 2 submissions from 2 submitters: Likely benign (1). 1 of the submissions does not count toward it. Last evaluated 2025-10-19.

Conditions:
EEF1A2-related disorder. Also called: EEF1A2-related disorders; EEF1A2-related condition.
Developmental and epileptic encephalopathy, 33 (DEE33). Also called: Epileptic encephalopathy, early infantile, 33. Identifiers: Orphanet 442835, MedGen C4225337, MONDO:0014625, OMIM 616409.

gnomAD v4.1: 1 of 1,613,102 alleles (0.000062%); highest among the groups gnomAD compares: Admixed American, 0.0017%; no homozygotes.

Submissions (2):

Labcorp Genetics (formerly Invitae), Labcorp
Classification: Likely benign for Developmental and epileptic encephalopathy, 33. Last evaluated: 2025-10-19. Review status: criteria provided, single submitter. Criteria: Invitae Variant Classification Sherloc (09022015). Collection method: clinical testing. Allele origin: germline.

PreventionGenetics, part of Exact Sciences
Classification: Likely benign for EEF1A2-related condition. Last evaluated: 2019-04-03. Review status: no assertion criteria provided. Collection method: clinical testing. Allele origin: germline. Not counted in ClinVar's aggregate classification.
Comment: This variant is classified as likely benign based on ACMG/AMP sequence variant interpretation guidelines (Richards et al. 2015 PMID: 25741868, with internal and published modifications).